The following is an entry in ClinVar:

NM_001127671.2(LIFR):c.1566G>A (p.Trp522Ter)

Gene: LIFR (LIF receptor subunit alpha; minus strand). Cytogenetic location: 5p13.1.
Variant type: single nucleotide variant.
Coding change: c.1566G>A on transcript NM_001127671.2 (MANE Select); coding-DNA position 1566, G replaced by A.
Protein change: p.Trp522Ter; replaces tryptophan 522 with a stop codon.
Molecular consequence: nonsense.
Genome position (GRCh38, 1-based): chr5:38,502,671, C>T on the plus strand (G>A on the coding strand, the complement: LIFR is on the minus strand). VCF-style: chr5-38502671-C-T. GRCh37 (hg19) VCF-style: chr5-38502773-C-T.
Other names: c.1566G>A, p.Trp522Ter (NM_001364297.2, NM_001364298.2, NM_002310.6); short protein forms W522*.
Identifiers: ClinVar variation 2115215 (VCV002115215.4), dbSNP rs2531028269, ClinGen allele CA359542170.

ClinVar aggregate classification (germline): Pathogenic (1 of 4 stars; one submission).

Submission:

Labcorp Genetics (formerly Invitae), Labcorp
Classification: Pathogenic. Last evaluated: 2022-08-04. Review status: criteria provided, single submitter. Criteria: Invitae Variant Classification Sherloc (09022015). Collection method: clinical testing. Allele origin: germline.
Comment: For these reasons, this variant has been classified as Pathogenic. This variant has not been reported in the literature in individuals affected with LIFR-related conditions. This variant is not present in population databases (gnomAD no frequency). This sequence change creates a premature translational stop signal (p.Trp522*) in the LIFR gene. It is expected to result in an absent or disrupted protein product. Loss-of-function variants in LIFR are known to be pathogenic (PMID: 14740318).

Literature cited by the submitters: PubMed 14740318.